The following is an entry in ClinVar:

NM_005732.4(RAD50):c.2476C>T (p.Gln826Ter)

Gene: RAD50 (RAD50 double strand break repair protein; plus strand). Cytogenetic location: 5q31.1.
Variant type: single nucleotide variant.
Coding change: c.2476C>T on transcript NM_005732.4 (MANE Select); coding-DNA position 2476, C replaced by T.
Protein change: p.Gln826Ter; replaces glutamine 826 with a stop codon.
Molecular consequence: nonsense.
Genome position (GRCh38, 1-based): chr5:132,603,998, C>T. VCF-style: chr5-132603998-C-T. GRCh37 (hg19) VCF-style: chr5-131939690-C-T.
Other names: short protein forms Q826*.
Identifiers: ClinVar variation 849115 (VCV000849115.8), dbSNP rs1334882781, ClinGen allele CA360955706.

ClinVar aggregate classification (germline): Pathogenic (1 of 4 stars; one submission).

Conditions:
Hereditary cancer-predisposing syndrome. Also called: Tumor predisposition; Neoplastic Syndromes, Hereditary; Hereditary neoplastic syndrome; Hereditary Cancer Syndrome. Identifiers: Orphanet 140162, MedGen C0027672, MeSH D009386, MONDO:0015356.

Allele frequency attached by ClinVar (database versions not stated): gnomAD exomes below 0.00001.
gnomAD v4.1: 1 of 1,613,600 alleles (0.000062%); highest among the groups gnomAD compares: East Asian, 0.0022%; no homozygotes.

Submission:

Labcorp Genetics (formerly Invitae), Labcorp
Classification: Pathogenic for Hereditary cancer-predisposing syndrome. Last evaluated: 2021-10-18. Review status: criteria provided, single submitter. Criteria: Invitae Variant Classification Sherloc (09022015). Collection method: clinical testing. Allele origin: germline.
Comment: For these reasons, this variant has been classified as Pathogenic. This variant has not been reported in the literature in individuals with RAD50-related conditions. ClinVar contains an entry for this variant (Variation ID: 849115). This variant is not present in population databases (ExAC no frequency). This sequence change creates a premature translational stop signal (p.Gln826*) in the RAD50 gene. It is expected to result in an absent or disrupted protein product. Loss-of-function variants in RAD50 are known to be pathogenic (PMID: 16385572, 19409520).

Literature cited by the submitters: PubMed 16385572; PubMed 19409520.